The following is an entry in ClinVar:

ClinVar aggregate classification (germline): Uncertain significance. Review status: criteria provided, multiple submitters, no conflicts (2 of 4 stars). 2 submissions from 2 submitters: Uncertain significance (2). Last evaluated 2024-12-22.

Conditions:
Inborn genetic diseases. Identifiers: MedGen C0950123, MeSH D030342.

gnomAD v4.1: 7 of 1,550,210 alleles (0.00045%); highest among the groups gnomAD compares: Non-Finnish European, 0.00052%; no homozygotes.

Submissions (2):

Ambry Genetics
Classification: Uncertain significance for Inborn genetic diseases. Last evaluated: 2024-12-22. Review status: criteria provided, single submitter. Criteria: Ambry Variant Classification Scheme 2023. Collection method: clinical testing. Allele origin: germline.

Genetic Services Laboratory, University of Chicago
Classification: Uncertain significance. Last evaluated: 2024-06-18. Review status: criteria provided, single submitter. Criteria: ACMG Guidelines, 2015. Collection method: clinical testing. Allele origin: germline. Affected: no.
Comment: DNA sequence analysis of the PKD1 gene demonstrated a sequence change, c.7154C>G, in exon 17 that results in an amino acid change, p.Ser2385Cys. This sequence change does not appear to have been previously described in individuals with PKD1-related disorders. This sequence change has been described in the gnomAD database with a frequency of 0.001% in the overall population (dbSNP rs200159561). The p.Ser2385Cys change affects a highly conserved amino acid residue located in a domain of the PKD1 protein that is known to be functional. In-silico pathogenicity prediction tools (SIFT, PolyPhen2, Align GVGD, REVEL) provide contradictory results for the p.Ser2385Cys substitution. Due to insufficient evidences and the lack of functional studies, the clinical significance of the p.Ser2385Cys change remains unknown at this time.

NM_001009944.3(PKD1):c.7154C>G (p.Ser2385Cys)

Gene: PKD1 (polycystin 1, transient receptor potential channel interacting; minus strand). Cytogenetic location: 16p13.3.
Variant type: single nucleotide variant.
Coding change: c.7154C>G on transcript NM_001009944.3 (MANE Select); coding-DNA position 7154, C replaced by G.
Protein change: p.Ser2385Cys; replaces serine 2385 with cysteine.
Molecular consequence: missense variant.
Genome position (GRCh38, 1-based): chr16:2,106,860, G>C on the plus strand (C>G on the coding strand, the complement: PKD1 is on the minus strand). VCF-style: chr16-2106860-G-C. GRCh37 (hg19) VCF-style: chr16-2156861-G-C.
Other names: c.7154C>G, p.Ser2385Cys (NM_000296.4); short protein forms S2385C.
Identifiers: ClinVar variation 3889282 (VCV003889282.3).
Genomic context (GRCh38, chr16:2,106,860, plus strand): 5'-CTCACCCCTCGCTTGGAGCCGCTGCTGCAATTGAGGCAGCGGCCCTCCAAGTACACGTAG[G>C]AGCTGCGGCTCACTTCGTACACGGCCTGTGCCTTGCAGGACACACACTCCAAGGACACAA-3'
Protein context (NP_001009944.3, residues 2375-2395): AQAVYEVSRS[Ser2385Cys]YVYLEGRCLN